The following is an entry in ClinVar:

ClinVar aggregate classification (germline): Benign/Likely benign. Review status: criteria provided, multiple submitters, no conflicts (2 of 4 stars). 3 submissions from 3 submitters: Benign (2); Likely benign (1). Last evaluated 2026-01-01.

Conditions:
BLVRA-related disorder. Also called: BLVRA-related condition.

Allele frequency attached by ClinVar (database versions not stated): 1000 Genomes Project 0.00140; 1000 Genomes Project 30x 0.00187; TOPMed 0.00233; ESP Exome Variant Server 0.00315; gnomAD 0.00368; ExAC 0.00384.
gnomAD v4.1: 7,369 of 1,614,198 alleles (0.46%); highest among the groups gnomAD compares: Non-Finnish European, 0.47%; 33 homozygotes.

Submissions (3):

CeGaT Center for Human Genetics Tuebingen
Classification: Likely benign. Last evaluated: 2026-01-01. Review status: criteria provided, single submitter. Criteria: CeGaT Center For Human Genetics Tuebingen Variant Classification Criteria Version 2. Collection method: clinical testing. Allele origin: germline. Affected: yes. Observed: 2 variant alleles.
Comment: BLVRA: BP4, BP7, BS2

PreventionGenetics, part of Exact Sciences
Classification: Benign for BLVRA-related condition. Last evaluated: 2025-12-26. Review status: criteria provided, single submitter. Criteria: ACMG Guidelines, 2015. Collection method: clinical testing. Allele origin: germline.
Comment: This variant is classified as benign based on ACMG/AMP sequence variant interpretation guidelines (Richards et al. 2015 PMID: 25741868, with internal and published modifications).

Labcorp Genetics (formerly Invitae), Labcorp
Classification: Benign. Last evaluated: 2025-11-23. Review status: criteria provided, single submitter. Criteria: Invitae Variant Classification Sherloc (09022015). Collection method: clinical testing. Allele origin: germline.

NM_000712.4(BLVRA):c.105G>A (p.Ala35=)

Gene: BLVRA (biliverdin reductase A; plus strand). Cytogenetic location: 7p13.
Variant type: single nucleotide variant.
Coding change: c.105G>A on transcript NM_000712.4 (MANE Select); coding-DNA position 105, G replaced by A.
Protein change: p.Ala35=; no amino-acid change (alanine 35 retained).
Molecular consequence: synonymous variant.
Genome position (GRCh38, 1-based): chr7:43,787,996, G>A. VCF-style: chr7-43787996-G-A. GRCh37 (hg19) VCF-style: chr7-43827595-G-A.
Other names: c.105G>A, p.Ala35= (NM_001253823.2); c.105G>A (NM_000712.3).
Identifiers: ClinVar variation 2055170 (VCV002055170.29), dbSNP rs1802849, ClinGen allele CA4233996.